The following is an entry in ClinVar:

ClinVar aggregate classification (germline): Uncertain significance (1 of 4 stars; one submission).

Conditions:
Kufor-Rakeb syndrome (KRS). Also called: PARKINSON DISEASE 9, AUTOSOMAL RECESSIVE, JUVENILE-ONSET. Identifiers: Orphanet 306674, Orphanet 314632, MedGen C1847640, MONDO:0011706, OMIM 606693.
Autosomal recessive spastic paraplegia type 78. Identifiers: Orphanet 513436, MedGen C5567893, MONDO:0014975, OMIM 617225.

Allele frequency attached by ClinVar (database versions not stated): gnomAD exomes below 0.00001.
gnomAD v4.1: 6 of 1,614,020 alleles (0.00037%); highest among the groups gnomAD compares: Non-Finnish European, 0.00034%; no homozygotes.

Submission:

Labcorp Genetics (formerly Invitae), Labcorp
Classification: Uncertain significance for Kufor-Rakeb syndrome; Autosomal recessive spastic paraplegia type 78. Last evaluated: 2022-08-16. Review status: criteria provided, single submitter. Criteria: Invitae Variant Classification Sherloc (09022015). Collection method: clinical testing. Allele origin: germline.
Comment: This sequence change replaces isoleucine, which is neutral and non-polar, with leucine, which is neutral and non-polar, at codon 493 of the ATP13A2 protein (p.Ile493Leu). This variant is not present in population databases (gnomAD no frequency). This variant has not been reported in the literature in individuals affected with ATP13A2-related conditions. ClinVar contains an entry for this variant (Variation ID: 1383044). Advanced modeling of protein sequence and biophysical properties (such as structural, functional, and spatial information, amino acid conservation, physicochemical variation, residue mobility, and thermodynamic stability) performed at Invitae indicates that this missense variant is not expected to disrupt ATP13A2 protein function. In summary, the available evidence is currently insufficient to determine the role of this variant in disease. Therefore, it has been classified as a Variant of Uncertain Significance.

NM_022089.4(ATP13A2):c.1477A>C (p.Ile493Leu)

Gene: ATP13A2 (ATPase cation transporting 13A2; minus strand). Cytogenetic location: 1p36.13.
Variant type: single nucleotide variant.
Coding change: c.1477A>C on transcript NM_022089.4 (MANE Select); coding-DNA position 1477, A replaced by C.
Protein change: p.Ile493Leu; replaces isoleucine 493 with leucine.
Molecular consequence: missense variant.
Genome position (GRCh38, 1-based): chr1:16,996,041, T>G on the plus strand (A>C on the coding strand, the complement: ATP13A2 is on the minus strand). VCF-style: chr1-16996041-T-G. GRCh37 (hg19) VCF-style: chr1-17322536-T-G.
Other names: c.1462A>C, p.Ile488Leu (NM_001141973.3, NM_001141974.3); short protein forms I488L, I493L.
Identifiers: ClinVar variation 1383044 (VCV001383044.3), dbSNP rs1570821678, ClinGen allele CA338252082.